The following is an entry in ClinVar:

NM_001101362.3(KBTBD13):c.978del (p.Thr327fs)

Gene: KBTBD13 (kelch repeat and BTB domain containing 13; plus strand). Cytogenetic location: 15q22.31.
Variant type: Deletion.
Coding change: c.978del on transcript NM_001101362.3 (MANE Select); coding-DNA position 978, one base deleted (G; older notation c.978delG).
Protein change: p.Thr327fs; shifts the reading frame from threonine 327.
Molecular consequence: frameshift variant.
Genome position (GRCh38, 1-based): chr15:65,077,793, G deleted; the last of 2 consecutive G bases (chr15:65,077,792-65,077,793); deleting either gives the same sequence. VCF-style (leftmost placement, unchanged base first): chr15-65077791-CG-C. GRCh37 (hg19) VCF-style: chr15-65370129-CG-C.
Other names: c.977delG (NM_001101362.3); short protein forms T327fs.
Identifiers: ClinVar variation 1690395 (VCV001690395.2), dbSNP rs2087000351, ClinGen allele CA2183440817.
Genomic context (GRCh38, chr15:65,077,791, plus strand): 5'-CGTCTCTTCGTGTGCCTGTGGCGGCCGGCCGACACCACCGCCGTGGTGGAGTACGCAGTG[CG>C]GACCGACGCGTGGCTGCCAGTGGCCGAGCTGCGGCGTCCGCAGAGCTATGGCCACTGCAT-3'

ClinVar aggregate classification (germline): Uncertain significance (1 of 4 stars; one submission).

Submission:

Laboratorio de Genetica e Diagnostico Molecular, Hospital Israelita Albert Einstein
Classification: Uncertain significance. Last evaluated: 2021-06-17. Review status: criteria provided, single submitter. Criteria: ACMG Guidelines, 2015. Collection method: clinical testing. Allele origin: germline. Affected: yes.
Comment: ACMG classification criteria: PM2